The following is an entry in ClinVar:

ClinVar aggregate classification (germline): Uncertain significance (1 of 4 stars; one submission).

Allele frequency attached by ClinVar (database versions not stated): TOPMed 0.00001; gnomAD 0.00001.
gnomAD v4.1: 5 of 1,613,256 alleles (0.00031%); highest among the groups gnomAD compares: Admixed American, 0.0067%; no homozygotes.

Submission:

Labcorp Genetics (formerly Invitae), Labcorp
Classification: Uncertain significance. Last evaluated: 2022-03-30. Review status: criteria provided, single submitter. Criteria: Invitae Variant Classification Sherloc (09022015). Collection method: clinical testing. Allele origin: germline.
Comment: In summary, the available evidence is currently insufficient to determine the role of this variant in disease. Therefore, it has been classified as a Variant of Uncertain Significance. Algorithms developed to predict the effect of missense changes on protein structure and function output the following: SIFT: "Tolerated"; PolyPhen-2: "Benign"; Align-GVGD: "Class C0". The phenylalanine amino acid residue is found in multiple mammalian species, which suggests that this missense change does not adversely affect protein function. This variant has not been reported in the literature in individuals affected with PAX1-related conditions. This variant is present in population databases (rs778088725, gnomAD 0.003%). This sequence change replaces tyrosine, which is neutral and polar, with phenylalanine, which is neutral and non-polar, at codon 234 of the PAX1 protein (p.Tyr234Phe).

NM_001257096.2(PAX1):c.701A>T (p.Tyr234Phe)

Gene: PAX1 (paired box 1; plus strand). Cytogenetic location: 20p11.22.
Variant type: single nucleotide variant.
Coding change: c.701A>T on transcript NM_001257096.2 (MANE Select); coding-DNA position 701, A replaced by T.
Protein change: p.Tyr234Phe; replaces tyrosine 234 with phenylalanine.
Molecular consequence: missense variant.
Genome position (GRCh38, 1-based): chr20:21,706,852, A>T. VCF-style: chr20-21706852-A-T. GRCh37 (hg19) VCF-style: chr20-21687490-A-T.
Other names: c.701A>T, p.Tyr234Phe (NM_006192.5); short protein forms Y234F.
Identifiers: ClinVar variation 1399402 (VCV001399402.6), dbSNP rs778088725, ClinGen allele CA9786545.